The following is an entry in ClinVar:

ClinVar aggregate classification (germline): Benign (1 of 4 stars; one submission).

Conditions:
White sponge nevus 1. Also called: LEUKOKERATOSIS, HEREDITARY MUCOSAL. Identifiers: MedGen C4011926, MONDO:0008676, OMIM 193900.

Allele frequency attached by ClinVar (database versions not stated): 1000 Genomes Project 30x 0.00062; 1000 Genomes Project 0.00080; TOPMed 0.00176; gnomAD 0.00271 and 0.00279; gnomAD exomes 0.00321.
gnomAD v4.1: 4,134 of 1,324,280 alleles (0.31%); highest among the groups gnomAD compares: Non-Finnish European, 0.34%; 17 homozygotes.

Submission:

Illumina Laboratory Services, Illumina
Classification: Benign for White sponge nevus 1. Last evaluated: 2018-01-13. Review status: criteria provided, single submitter. Criteria: ICSL Variant Classification Criteria 13 December 2019. Collection method: clinical testing. Allele origin: germline.
Comment: This variant was observed in the ICSL laboratory as part of a predisposition screen in an ostensibly healthy population. It had not been previously curated by ICSL or reported in the Human Gene Mutation Database (HGMD: prior to June 1st, 2018), and was therefore a candidate for classification through an automated scoring system. Utilizing variant allele frequency, disease prevalence and penetrance estimates, and inheritance mode, an automated score was calculated to assess if this variant is too frequent to cause the disease. Based on the score and internal cut-off values, a variant classified as benign is not then subjected to further curation. The score for this variant resulted in a classification of benign for this disease.

NM_002272.4(KRT4):c.*81T>A

Gene: KRT4 (keratin 4; minus strand). Cytogenetic location: 12q13.13.
Variant type: single nucleotide variant.
Coding change: c.*81T>A on transcript NM_002272.4 (MANE Select); 81 bases downstream of the stop codon, T replaced by A.
Molecular consequence: 3 prime UTR variant.
Genome position (GRCh38, 1-based): chr12:52,806,988, A>T on the plus strand (T>A on the coding strand, the complement: KRT4 is on the minus strand). VCF-style: chr12-52806988-A-T. GRCh37 (hg19) VCF-style: chr12-53200772-A-T.
Identifiers: ClinVar variation 309663 (VCV000309663.5), dbSNP rs572216995, ClinGen allele CA10638026.
Genomic context (GRCh38, chr12:52,806,988, plus strand): 5'-CAGAGAGAGCCCATGGGATAGTGGAGGGGATACTAGTAAGATGAGCCCCAGAGACAGAGG[A>T]TGGAGGTGAAGTGAAGGAAGCACAGAGACACCAGTGCTGGGCCCAGCTGGACACAGTGAG-3'